The following is an entry in ClinVar:

ClinVar aggregate classification (germline): Uncertain significance. Review status: criteria provided, multiple submitters, no conflicts (2 of 4 stars). 2 submissions from 2 submitters: Uncertain significance (2). Last evaluated 2022-12-01.

Allele frequency attached by ClinVar (database versions not stated): gnomAD exomes below 0.00001.
gnomAD v4.1: 5 of 1,613,554 alleles (0.00031%); highest among the groups gnomAD compares: Middle Eastern, 0.033%; no homozygotes.

Submissions (2):

Clinical Genetics Laboratory, Skane University Hospital Lund
Classification: Uncertain significance. Last evaluated: 2022-12-01. Review status: criteria provided, single submitter. Criteria: ACMG Guidelines, 2015. Collection method: clinical testing. Allele origin: germline. Affected: yes.

Labcorp Genetics (formerly Invitae), Labcorp
Classification: Uncertain significance. Last evaluated: 2022-03-02. Review status: criteria provided, single submitter. Criteria: Invitae Variant Classification Sherloc (09022015). Collection method: clinical testing. Allele origin: germline.
Comment: This sequence change replaces lysine, which is basic and polar, with threonine, which is neutral and polar, at codon 541 of the CNGB3 protein (p.Lys541Thr). This variant is present in population databases (no rsID available, gnomAD 0.0009%). This variant has not been reported in the literature in individuals affected with CNGB3-related conditions. Advanced modeling of protein sequence and biophysical properties (such as structural, functional, and spatial information, amino acid conservation, physicochemical variation, residue mobility, and thermodynamic stability) performed at Invitae indicates that this missense variant is expected to disrupt CNGB3 protein function. In summary, the available evidence is currently insufficient to determine the role of this variant in disease. Therefore, it has been classified as a Variant of Uncertain Significance.

NM_019098.5(CNGB3):c.1622A>C (p.Lys541Thr)

Gene: CNGB3 (cyclic nucleotide gated channel subunit beta 3; minus strand). Cytogenetic location: 8q21.3.
Variant type: single nucleotide variant.
Coding change: c.1622A>C on transcript NM_019098.5 (MANE Select); coding-DNA position 1622, A replaced by C.
Protein change: p.Lys541Thr; replaces lysine 541 with threonine.
Molecular consequence: missense variant.
Genome position (GRCh38, 1-based): chr8:86,611,628, T>G on the plus strand (A>C on the coding strand, the complement: CNGB3 is on the minus strand). VCF-style: chr8-86611628-T-G. GRCh37 (hg19) VCF-style: chr8-87623856-T-G.
Other names: short protein forms K541T.
Identifiers: ClinVar variation 1479130 (VCV001479130.4), dbSNP rs747653530, ClinGen allele CA371438613.